The following is an entry in ClinVar:

NM_000163.5(GHR):c.828T>G (p.Phe276Leu)

Gene: GHR (growth hormone receptor; plus strand). Cytogenetic location: 5p12.
Variant type: single nucleotide variant.
Coding change: c.828T>G on transcript NM_000163.5 (MANE Select); coding-DNA position 828, T replaced by G.
Protein change: p.Phe276Leu; replaces phenylalanine 276 with leucine.
Molecular consequence: missense variant.
Genome position (GRCh38, 1-based): chr5:42,713,472, T>G. VCF-style: chr5-42713472-T-G. GRCh37 (hg19) VCF-style: chr5-42713574-T-G.
Other names: c.828T>G, p.Phe276Leu (NM_001242403.3, NM_001242404.2, NM_001242405.2 and 5 more transcripts); c.762T>G, p.Phe254Leu (NM_001242460.2); c.849T>G, p.Phe283Leu (NM_001242399.2); short protein forms F254L, F276L, F283L.
Identifiers: ClinVar variation 3606061 (VCV003606061.2).

ClinVar aggregate classification (germline): Uncertain significance (1 of 4 stars; one submission).

gnomAD v4.1: 1 of 1,507,188 alleles (0.000066%); highest among the groups gnomAD compares: Non-Finnish European, 0.000092%; no homozygotes.

Submission:

Labcorp Genetics (formerly Invitae), Labcorp
Classification: Uncertain significance. Last evaluated: 2024-12-30. Review status: criteria provided, single submitter. Criteria: Invitae Variant Classification Sherloc (09022015). Collection method: clinical testing. Allele origin: germline.
Comment: This sequence change replaces phenylalanine, which is neutral and non-polar, with leucine, which is neutral and non-polar, at codon 276 of the GHR protein (p.Phe276Leu). This variant is present in population databases (no rsID available, gnomAD 0.002%). This variant has not been reported in the literature in individuals affected with GHR-related conditions. Invitae Evidence Modeling of protein sequence and biophysical properties (such as structural, functional, and spatial information, amino acid conservation, physicochemical variation, residue mobility, and thermodynamic stability) indicates that this missense variant is not expected to disrupt GHR protein function with a negative predictive value of 95%. In summary, the available evidence is currently insufficient to determine the role of this variant in disease. Therefore, it has been classified as a Variant of Uncertain Significance.